The following is an entry in ClinVar:

NM_000256.3(MYBPC3):c.1445C>A (p.Ala482Glu)

Gene: MYBPC3 (myosin binding protein C3; minus strand). Cytogenetic location: 11p11.2.
Variant type: single nucleotide variant.
Coding change: c.1445C>A on transcript NM_000256.3 (MANE Select); coding-DNA position 1445, C replaced by A.
Protein change: p.Ala482Glu; replaces alanine 482 with glutamic acid.
Molecular consequence: missense variant.
Genome position (GRCh38, 1-based): chr11:47,342,842, G>T on the plus strand (C>A on the coding strand, the complement: MYBPC3 is on the minus strand). VCF-style: chr11-47342842-G-T. GRCh37 (hg19) VCF-style: chr11-47364393-G-T.
Other names: short protein forms A482E.
Identifiers: ClinVar variation 3915216 (VCV003915216.1).

ClinVar aggregate classification (germline): Uncertain significance (1 of 4 stars; one submission).

Conditions:
Cardiovascular phenotype. Identifiers: MedGen CN230736.

Submission:

Ambry Genetics
Classification: Uncertain significance for Cardiovascular phenotype. Last evaluated: 2025-05-26. Review status: criteria provided, single submitter. Criteria: Ambry Variant Classification Scheme 2023. Collection method: clinical testing. Allele origin: germline.
Comment: The p.A482E variant (also known as c.1445C>A), located in coding exon 16 of the MYBPC3 gene, results from a C to A substitution at nucleotide position 1445. The alanine at codon 482 is replaced by glutamic acid, an amino acid with dissimilar properties. This amino acid position is conserved. In addition, this alteration is predicted to be deleterious by in silico analysis. Based on the available evidence, the clinical significance of this variant remains unclear.